The following is an entry in ClinVar:

NM_002296.4(LBR):c.1451G>C (p.Trp484Ser)

Gene: LBR (lamin B receptor; minus strand). Cytogenetic location: 1q42.12.
Variant type: single nucleotide variant.
Coding change: c.1451G>C on transcript NM_002296.4 (MANE Select); coding-DNA position 1451, G replaced by C.
Protein change: p.Trp484Ser; replaces tryptophan 484 with serine.
Molecular consequence: missense variant.
Genome position (GRCh38, 1-based): chr1:225,406,696, C>G on the plus strand (G>C on the coding strand, the complement: LBR is on the minus strand). VCF-style: chr1-225406696-C-G. GRCh37 (hg19) VCF-style: chr1-225594398-C-G.
Other names: c.1451G>C, p.Trp484Ser (NM_194442.3); short protein forms W484S.
Identifiers: ClinVar variation 2978118 (VCV002978118.3), dbSNP rs751503823, ClinGen allele CA1417143.

ClinVar aggregate classification (germline): Uncertain significance (1 of 4 stars; one submission).

Allele frequency attached by ClinVar (database versions not stated): TOPMed below 0.00001; ExAC 0.00001; gnomAD exomes 0.00001.
gnomAD v4.1: 5 of 1,613,598 alleles (0.00031%); highest among the groups gnomAD compares: Admixed American, 0.0083%; no homozygotes.

Submission:

Labcorp Genetics (formerly Invitae), Labcorp
Classification: Uncertain significance. Last evaluated: 2024-05-23. Review status: criteria provided, single submitter. Criteria: Invitae Variant Classification Sherloc (09022015). Collection method: clinical testing. Allele origin: germline.
Comment: This sequence change replaces tryptophan, which is neutral and slightly polar, with serine, which is neutral and polar, at codon 484 of the LBR protein (p.Trp484Ser). This variant is present in population databases (rs751503823, gnomAD 0.01%). This variant has not been reported in the literature in individuals affected with LBR-related conditions. Advanced modeling of protein sequence and biophysical properties (such as structural, functional, and spatial information, amino acid conservation, physicochemical variation, residue mobility, and thermodynamic stability) performed at Invitae indicates that this missense variant is not expected to disrupt LBR protein function with a negative predictive value of 80%. In summary, the available evidence is currently insufficient to determine the role of this variant in disease. Therefore, it has been classified as a Variant of Uncertain Significance.